The following is an entry in ClinVar:

ClinVar aggregate classification (germline): Uncertain significance. Review status: criteria provided, multiple submitters, no conflicts (2 of 4 stars). 3 submissions from 3 submitters: Uncertain significance (3). Last evaluated 2025-01-11.

Conditions:
ADGRV1-related disorder. Also called: ADGRV1-related condition; ADGRV1-related disorders.

Allele frequency attached by ClinVar (database versions not stated): gnomAD exomes below 0.00001; TOPMed 0.00002; gnomAD 0.00003.
gnomAD v4.1: 7 of 1,613,536 alleles (0.00043%); highest among the groups gnomAD compares: African/African-American, 0.0027%; no homozygotes.

Submissions (3):

PreventionGenetics, part of Exact Sciences
Classification: Uncertain significance for ADGRV1-related condition. Last evaluated: 2025-01-11. Review status: criteria provided, single submitter. Criteria: ACMG Guidelines, 2015. Collection method: clinical testing. Allele origin: germline.
Comment: The ADGRV1 c.5192C>T variant is predicted to result in the amino acid substitution p.Thr1731Ile. To our knowledge, this variant has not been reported in the literature. This variant is reported in 0.0065% of alleles in individuals of European (Non-Finnish) descent in gnomAD. At this time, the clinical significance of this variant is uncertain due to the absence of conclusive functional and genetic evidence.

Blueprint Genetics
Classification: Uncertain significance. Last evaluated: 2019-01-11. Review status: criteria provided, single submitter. Criteria: ACMG Guidelines, 2015. Collection method: clinical testing. Allele origin: germline.

Eurofins Ntd Llc (ga)
Classification: Uncertain significance. Last evaluated: 2016-07-19. Review status: criteria provided, single submitter. Criteria: EGL Classification Definitions 2015. Collection method: clinical testing. Allele origin: germline. Observed: 1 variant allele, 1 heterozygote.

NM_032119.4(ADGRV1):c.5192C>T (p.Thr1731Ile)

Gene: ADGRV1 (adhesion G protein-coupled receptor V1; plus strand). Cytogenetic location: 5q14.3.
Variant type: single nucleotide variant.
Coding change: c.5192C>T on transcript NM_032119.4 (MANE Select); coding-DNA position 5192, C replaced by T.
Protein change: p.Thr1731Ile; replaces threonine 1731 with isoleucine.
Molecular consequence: missense variant. On other transcripts: non-coding transcript variant (1).
Genome position (GRCh38, 1-based): chr5:90,675,324, C>T. VCF-style: chr5-90675324-C-T. GRCh37 (hg19) VCF-style: chr5-89971141-C-T.
Other names: c.5192C>T (NM_032119.3); short protein forms T1731I.
Identifiers: ClinVar variation 288989 (VCV000288989.7), dbSNP rs886044054, ClinGen allele CA10606288.